The following is an entry in ClinVar:

ClinVar aggregate classification (germline): Conflicting classifications of pathogenicity. Review status: criteria provided, conflicting classifications (1 of 4 stars). 3 submissions from 3 submitters: Uncertain significance (1); Likely benign (2). Last evaluated 2025-08-24.

Conditions:
Mosaic variegated aneuploidy syndrome 1 (MVA1). Also called: Warburton-Anyane-Yeboa syndrome. Identifiers: Orphanet 1052, MedGen C1850343, MONDO:0009759, OMIM 257300.

Allele frequency attached by ClinVar (database versions not stated): gnomAD exomes 0.00001 and 0.00002; ExAC 0.00004; gnomAD 0.00028 and 0.00029; 1000 Genomes Project 0.00060; 1000 Genomes Project 30x 0.00062; TOPMed 0.00083.
gnomAD v4.1: 78 of 1,601,452 alleles (0.0049%); highest among the groups gnomAD compares: Admixed American, 0.098%; no homozygotes.

Submissions (3):

Labcorp Genetics (formerly Invitae), Labcorp
Classification: Likely benign for Mosaic variegated aneuploidy syndrome 1. Last evaluated: 2025-08-24. Review status: criteria provided, single submitter. Criteria: Invitae Variant Classification Sherloc (09022015). Collection method: clinical testing. Allele origin: germline.

GeneDx
Classification: Uncertain significance. Last evaluated: 2025-04-25. Review status: criteria provided, single submitter. Criteria: GeneDx Variant Classification Process June 2021. Collection method: clinical testing. Allele origin: germline. Affected: yes.
Comment: Has not been previously published as pathogenic or benign to our knowledge; In silico analysis is inconclusive as to whether the variant alters gene splicing. In the absence of RNA/functional studies, the actual effect of this sequence change is unknown.

Women's Health and Genetics/Laboratory Corporation of America, LabCorp
Classification: Likely benign. Last evaluated: 2024-11-04. Review status: criteria provided, single submitter. Criteria: LabCorp Variant Classification Summary - May 2015. Collection method: clinical testing. Allele origin: germline.

NM_001211.6(BUB1B):c.752-13T>C

Gene: BUB1B (BUB1 mitotic checkpoint serine/threonine kinase B; plus strand). Cytogenetic location: 15q15.1.
Variant type: single nucleotide variant.
Coding change: c.752-13T>C on transcript NM_001211.6 (MANE Select); 13 bases into the intron before coding-DNA position 752, T replaced by C.
Molecular consequence: intron variant.
Genome position (GRCh38, 1-based): chr15:40,185,152, T>C. VCF-style: chr15-40185152-T-C. GRCh37 (hg19) VCF-style: chr15-40477353-T-C.
Identifiers: ClinVar variation 1573385 (VCV001573385.10), dbSNP rs201927813, ClinGen allele CA7475567.